The following is an entry in ClinVar:

NM_017534.6(MYH2):c.2801A>G (p.Asp934Gly)

Genes: MYHAS (myosin heavy chain gene cluster antisense RNA; plus strand), MYH2 (myosin heavy chain 2; minus strand). Cytogenetic location: 17p13.1.
Variant type: single nucleotide variant.
Coding change: c.2801A>G on transcript NM_017534.6 (MANE Select); coding-DNA position 2801, A replaced by G.
Protein change: p.Asp934Gly; replaces aspartic acid 934 with glycine.
Molecular consequence: missense variant.
Genome position (GRCh38, 1-based): chr17:10,529,971, T>C on the plus strand (A>G on the coding strand, the complement: MYH2 is on the minus strand). VCF-style: chr17-10529971-T-C. GRCh37 (hg19) VCF-style: chr17-10433288-T-C.
Other names: c.2801A>G, p.Asp934Gly (NM_001100112.2); c.2801A>G (NM_017534.5); short protein forms D934G.
Identifiers: ClinVar variation 3703364 (VCV003703364.4).

ClinVar aggregate classification (germline): Uncertain significance. Review status: criteria provided, multiple submitters, no conflicts (2 of 4 stars). 3 submissions from 3 submitters: Uncertain significance (3). Last evaluated 2025-10-22.

Conditions:
Inborn genetic diseases. Identifiers: MedGen C0950123, MeSH D030342.
Myopathy, proximal, and ophthalmoplegia (CMYO6). Also called: INCLUSION BODY MYOPATHY 3, AUTOSOMAL DOMINANT; MYOPATHY WITH CONGENITAL JOINT CONTRACTURES, OPHTHALMOPLEGIA, AND RIMMED VACUOLES; CONGENITAL MYOPATHY 6 WITH OPHTHALMOPLEGIA. Identifiers: Orphanet 363677, Orphanet 79091, MedGen C1854106, MONDO:0011577, OMIM 605637.

gnomAD v4.1: 8 of 1,613,966 alleles (0.0005%); highest among the groups gnomAD compares: Non-Finnish European, 0.00068%; no homozygotes.

Submissions (3):

Ambry Genetics
Classification: Uncertain significance for Inborn genetic diseases. Last evaluated: 2025-10-22. Review status: criteria provided, single submitter. Criteria: Ambry Variant Classification Scheme 2023. Collection method: clinical testing. Allele origin: germline.
Comment: The c.2801A>G (p.D934G) alteration is located in exon 23 (coding exon 21) of the MYH2 gene. This alteration results from a A to G substitution at nucleotide position 2801, causing the aspartic acid (D) at amino acid position 934 to be replaced by a glycine (G). Based on data from gnomAD, the G allele has an overall frequency of 0.001% (2/251310) total alleles studied. The highest observed frequency was 0.002% (2/113636) of European (non-Finnish) alleles. Based on insufficient or conflicting evidence, the clinical significance of this alteration remains unclear.

GeneDx
Classification: Uncertain significance. Last evaluated: 2025-07-29. Review status: criteria provided, single submitter. Criteria: GeneDx Variant Classification Process June 2021. Collection method: clinical testing. Allele origin: germline. Affected: yes.
Comment: Not observed at significant frequency in large population cohorts (gnomAD); In silico analysis supports that this missense variant has a deleterious effect on protein structure/function; Has not been previously published as pathogenic or benign to our knowledge

Labcorp Genetics (formerly Invitae), Labcorp
Classification: Uncertain significance for Myopathy, proximal, and ophthalmoplegia. Last evaluated: 2024-04-07. Review status: criteria provided, single submitter. Criteria: Invitae Variant Classification Sherloc (09022015). Collection method: clinical testing. Allele origin: germline.
Comment: This sequence change replaces aspartic acid, which is acidic and polar, with glycine, which is neutral and non-polar, at codon 934 of the MYH2 protein (p.Asp934Gly). This variant is present in population databases (no rsID available, gnomAD 0.002%). This variant has not been reported in the literature in individuals affected with MYH2-related conditions. Advanced modeling of protein sequence and biophysical properties (such as structural, functional, and spatial information, amino acid conservation, physicochemical variation, residue mobility, and thermodynamic stability) performed at Invitae indicates that this missense variant is not expected to disrupt MYH2 protein function with a negative predictive value of 80%. In summary, the available evidence is currently insufficient to determine the role of this variant in disease. Therefore, it has been classified as a Variant of Uncertain Significance.